The following is an entry in ClinVar:

ClinVar aggregate classification (germline): Benign (0 of 4 stars; one submission).

Conditions:
DENND4B-related disorder. Also called: DENND4B-related condition.

Allele frequency attached by ClinVar (database versions not stated): gnomAD exomes 0.00174; gnomAD 0.00208; TOPMed 0.00339; 1000 Genomes Project 30x 0.00734; 1000 Genomes Project 0.00739.
gnomAD v4.1: 2,880 of 1,613,986 alleles (0.18%); highest among the groups gnomAD compares: East Asian, 3.6%; 44 homozygotes.

Submission:

PreventionGenetics, part of Exact Sciences
Classification: Benign for DENND4B-related condition. Last evaluated: 2019-06-19. Review status: no assertion criteria provided. Collection method: clinical testing. Allele origin: germline.
Comment: This variant is classified as benign based on ACMG/AMP sequence variant interpretation guidelines (Richards et al. 2015 PMID: 25741868, with internal and published modifications).

NM_014856.3(DENND4B):c.4311A>G (p.Thr1437=)

Gene: DENND4B (DENN domain containing 4B; minus strand). Cytogenetic location: 1q21.3.
Variant type: single nucleotide variant.
Coding change: c.4311A>G on transcript NM_014856.3 (MANE Select); coding-DNA position 4311, A replaced by G.
Protein change: p.Thr1437=; no amino-acid change (threonine 1437 retained).
Molecular consequence: synonymous variant.
Genome position (GRCh38, 1-based): chr1:153,930,573, T>C on the plus strand (A>G on the coding strand, the complement: DENND4B is on the minus strand). VCF-style: chr1-153930573-T-C. GRCh37 (hg19) VCF-style: chr1-153903049-T-C.
Other names: c.4344A>G, p.Thr1448= (NM_001367466.1).
Identifiers: ClinVar variation 3044596 (VCV003044596.2), dbSNP rs2297897, ClinGen allele CA1120987.